The following is an entry in ClinVar:

NC_000012.11:g.(?_102173920)_(102224463_?)del

Gene: GNPTAB (N-acetylglucosamine-1-phosphate transferase subunits alpha and beta; minus strand). Cytogenetic location: 12q23.2.
Variant type: Deletion.
Identifiers: ClinVar variation 1460422 (VCV001460422.4).

ClinVar aggregate classification (germline): Pathogenic (1 of 4 stars; one submission).

Conditions:
Pseudo-Hurler polydystrophy. Also called: ML III; ML III ALPHA/BETA; Type III Mucolipidosis; ML IIIA; Mucolipidosis III Alpha/Beta; MUCOLIPIDOSIS IIIA. Identifiers: Orphanet 423461, Orphanet 577, MedGen C0033788, MONDO:0018931, OMIM 252600.
Mucolipidosis type II. Also called: ML II ALPHA/BETA; Mucolipidosis 2; ML 2; Inclusion cell disease; Leroy Disease; N-acetylglucosamine 1phosphotransferase deficiency. Identifiers: Orphanet 576, MedGen C2673377, MONDO:0009650, OMIM 252500.

Submission:

Labcorp Genetics (formerly Invitae), Labcorp
Classification: Pathogenic for Pseudo-Hurler polydystrophy; Mucolipidosis type II. Last evaluated: 2021-04-23. Review status: criteria provided, single submitter. Criteria: Invitae Variant Classification Sherloc (09022015). Collection method: clinical testing. Allele origin: germline.
Comment: For these reasons, this variant has been classified as Pathogenic. This variant has not been reported in the literature in individuals with GNPTAB-related conditions. This variant is a gross deletion of the genomic region encompassing exon(s) 1-7 of the GNPTAB gene, which includes the initiator codon. The 5' end of this event is unknown as it extends beyond the assayed region for this gene and therefore may encompass additional genes. The 3' boundary is likely confined to intron 7 of the GNPTAB gene. It is expected to result in an absent or disrupted protein product. Loss-of-function variants in GNPTAB are known to be pathogenic (PMID: 19617216, 25107912).

Literature cited by the submitters: PubMed 19617216; PubMed 25107912.